The following is an entry in ClinVar:

ClinVar aggregate classification (germline): Uncertain significance (1 of 4 stars; one submission).

Conditions:
Hereditary sensory and autonomic neuropathy type 6. Also called: HSAN VI; Neuropathy, hereditary sensory and autonomic, type VI. Identifiers: Orphanet 314381, MedGen C3539003, MONDO:0013839, OMIM 614653.
Epidermolysis bullosa simplex 3, localized or generalized intermediate, with BP230 deficiency (EBS3). Also called: Epidermolysis bullosa simplex due to BP230 deficiency; Epidermolysis bullosa simplex, autosomal recessive 2. Identifiers: Orphanet 412181, MedGen C3809470, MONDO:0014180, OMIM 615425.

Allele frequency attached by ClinVar (database versions not stated): gnomAD exomes below 0.00001; gnomAD 0.00001.
gnomAD v4.1: 2 of 1,612,606 alleles (0.00012%); highest among the groups gnomAD compares: African/African-American, 0.0013%; no homozygotes.

Submission:

Labcorp Genetics (formerly Invitae), Labcorp
Classification: Uncertain significance for Epidermolysis bullosa simplex 3, localized or generalized intermediate, with BP230 deficiency; Hereditary sensory and autonomic neuropathy type 6. Last evaluated: 2022-02-09. Review status: criteria provided, single submitter. Criteria: Invitae Variant Classification Sherloc (09022015). Collection method: clinical testing. Allele origin: germline.
Comment: In summary, the available evidence is currently insufficient to determine the role of this variant in disease. Therefore, it has been classified as a Variant of Uncertain Significance. Algorithms developed to predict the effect of missense changes on protein structure and function output the following: SIFT: "Tolerated"; PolyPhen-2: "Benign"; Align-GVGD: "Class C0". The serine amino acid residue is found in multiple mammalian species, which suggests that this missense change does not adversely affect protein function. This variant has not been reported in the literature in individuals affected with DST-related conditions. This variant is present in population databases (no rsID available, gnomAD 0.004%). This sequence change replaces cysteine, which is neutral and slightly polar, with serine, which is neutral and polar, at codon 111 of the DST protein (p.Cys111Ser).

NM_001374736.1(DST):c.1942T>A (p.Cys648Ser)

Gene: DST (dystonin; minus strand). Cytogenetic location: 6p12.1.
Variant type: single nucleotide variant.
Coding change: c.1942T>A on transcript NM_001374736.1 (MANE Select); coding-DNA position 1942, T replaced by A.
Protein change: p.Cys648Ser; replaces cysteine 648 with serine.
Molecular consequence: missense variant.
Genome position (GRCh38, 1-based): chr6:56,642,032, A>T on the plus strand (T>A on the coding strand, the complement: DST is on the minus strand). VCF-style: chr6-56642032-A-T. GRCh37 (hg19) VCF-style: chr6-56506830-A-T.
Other names: c.1843T>A, p.Cys615Ser (NM_001144769.5); c.1429T>A, p.Cys477Ser (NM_001144770.2); c.1942T>A, p.Cys648Ser (NM_001374722.1); c.1309T>A, p.Cys437Ser (NM_001374729.1, NM_001374730.1, NM_001386100.1 and 1 more transcripts); c.1969T>A, p.Cys657Ser (NM_001374734.1); c.331T>A, p.Cys111Ser (NM_001723.7, NM_015548.5); short protein forms C437S, C648S, C657S, C111S, C477S, C615S.
Identifiers: ClinVar variation 2175880 (VCV002175880.4), dbSNP rs1167811465, ClinGen allele CA364615000.
Genomic context (GRCh38, chr6:56,642,032, plus strand): 5'-AGTATTTTCCATCAATAAGAATCTGTACATCAATTACATGCTGGCGTAAAAGGTTCTCAC[A>T]TTCAAGTATATACCCAGCAATTTCTGCTTCATTCTGAAACTGCACTCCTGATTCTAATCT-3'
Protein context (NP_001361665.1, residues 638-658): EAEIAGYILE[Cys648Ser]ENLLRQHVID